The following is an entry in ClinVar:

ClinVar aggregate classification (germline): Uncertain significance (1 of 4 stars; one submission).

Conditions:
Hereditary cancer-predisposing syndrome. Also called: Tumor predisposition; Hereditary neoplastic syndrome; Hereditary Cancer Syndrome; Neoplastic Syndromes, Hereditary. Identifiers: Orphanet 140162, MedGen C0027672, MeSH D009386, MONDO:0015356.

Submission:

Ambry Genetics
Classification: Uncertain significance for Hereditary cancer-predisposing syndrome. Last evaluated: 2024-02-16. Review status: criteria provided, single submitter. Criteria: Ambry Variant Classification Scheme 2023. Collection method: clinical testing. Allele origin: germline.
Comment: The p.E265D variant (also known as c.795A>T), located in coding exon 1 of the AXIN2 gene, results from an A to T substitution at nucleotide position 795. The glutamic acid at codon 265 is replaced by aspartic acid, an amino acid with highly similar properties. This amino acid position is conserved. In addition, this alteration is predicted to be tolerated by in silico analysis. Based on the available evidence, the clinical significance of this alteration remains unclear.

NM_004655.4(AXIN2):c.795A>T (p.Glu265Asp)

Gene: AXIN2 (axin 2; minus strand). Cytogenetic location: 17q24.1.
Variant type: single nucleotide variant.
Coding change: c.795A>T on transcript NM_004655.4 (MANE Select); coding-DNA position 795, A replaced by T.
Protein change: p.Glu265Asp; replaces glutamic acid 265 with aspartic acid.
Molecular consequence: missense variant.
Genome position (GRCh38, 1-based): chr17:65,557,826, T>A on the plus strand (A>T on the coding strand, the complement: AXIN2 is on the minus strand). VCF-style: chr17-65557826-T-A. GRCh37 (hg19) VCF-style: chr17-63553944-T-A.
Other names: c.795A>T, p.Glu265Asp (NM_001363813.1); short protein forms E265D.
Identifiers: ClinVar variation 3224415 (VCV003224415.1), dbSNP rs1598118896, ClinGen allele CA400680240.